The following is an entry in ClinVar:

NM_001370466.1(NOD2):c.1178G>A (p.Arg393His)

Gene: NOD2 (nucleotide binding oligomerization domain containing 2; plus strand). Cytogenetic location: 16q12.1.
Variant type: single nucleotide variant.
Coding change: c.1178G>A on transcript NM_001370466.1 (MANE Select); coding-DNA position 1178, G replaced by A.
Protein change: p.Arg393His; replaces arginine 393 with histidine.
Molecular consequence: missense variant. On other transcripts: non-coding transcript variant (1).
Genome position (GRCh38, 1-based): chr16:50,711,170, G>A. VCF-style: chr16-50711170-G-A. GRCh37 (hg19) VCF-style: chr16-50745081-G-A.
Other names: c.1259G>A, p.Arg420His (NM_022162.3); c.1259G>A (LRG_177t1); c.1178G>A, p.Arg393His (NM_001293557.2); short protein forms R420H, R393H.
Identifiers: ClinVar variation 103117 (VCV000103117.7), dbSNP rs199475913, ClinGen allele CA230140.

ClinVar aggregate classification (germline): Uncertain significance. Review status: criteria provided, single submitter (1 of 4 stars). 2 submissions from 2 submitters: Uncertain significance (1). 1 of the submissions does not count toward it. Last evaluated 2025-10-15.

Conditions:
Regional enteritis. Also called: Enteritis, Granulomatous. Identifiers: MedGen C0678202, MeSH D003424.
Blau syndrome (BLAUS). Also called: ARTHROCUTANEOUVEAL GRANULOMATOSIS; GRANULOMATOSIS, FAMILIAL JUVENILE SYSTEMIC; GRANULOMATOSIS, FAMILIAL, BLAU TYPE; GRANULOMATOUS INFLAMMATORY ARTHRITIS, DERMATITIS, AND UVEITIS, FAMILIAL; JABS SYNDROME. Identifiers: Orphanet 90340, MedGen C5201146, MONDO:0008523, OMIM 186580.

Allele frequency attached by ClinVar (database versions not stated): ExAC 0.00002; gnomAD 0.00004 and 0.00005; gnomAD exomes 0.00006; TOPMed 0.00006.
gnomAD v4.1: 82 of 1,614,082 alleles (0.0051%); highest among the groups gnomAD compares: East Asian, 0.033%; no homozygotes.

Submissions (2):

Labcorp Genetics (formerly Invitae), Labcorp
Classification: Uncertain significance for Regional enteritis; Blau syndrome. Last evaluated: 2025-10-15. Review status: criteria provided, single submitter. Criteria: Invitae Variant Classification Sherloc (09022015). Collection method: clinical testing. Allele origin: germline.
Comment: This sequence change replaces arginine, which is basic and polar, with histidine, which is basic and polar, at codon 420 of the NOD2 protein (p.Arg420His). This variant is present in population databases (rs199475913, gnomAD 0.02%). This missense change has been observed in individual(s) with Crohn's disease (PMID: 30166421). ClinVar contains an entry for this variant (Variation ID: 103117). Invitae Evidence Modeling of protein sequence and biophysical properties (such as structural, functional, and spatial information, amino acid conservation, physicochemical variation, residue mobility, and thermodynamic stability) indicates that this missense variant is not expected to disrupt NOD2 protein function with a negative predictive value of 95%. In summary, the available evidence is currently insufficient to determine the role of this variant in disease. Therefore, it has been classified as a Variant of Uncertain Significance.

Human Evolutionary Genetics, Institut Pasteur
No classification provided. Review status: no classification provided. Collection method: not provided. Allele origin: germline. Not counted in ClinVar's aggregate classification.
ClinVar note: Converted during submission from untested to not provided.

Literature cited by the submitters: PubMed 30166421 (cited by Labcorp Genetics (formerly Invitae), Labcorp).